The following is an entry in ClinVar:

NM_182914.3(SYNE2):c.18566G>A (p.Arg6189Gln)

Gene: SYNE2 (spectrin repeat containing nuclear envelope protein 2; plus strand). Cytogenetic location: 14q23.2.
Variant type: single nucleotide variant.
Coding change: c.18566G>A on transcript NM_182914.3 (MANE Select); coding-DNA position 18566, G replaced by A.
Protein change: p.Arg6189Gln; replaces arginine 6189 with glutamine.
Molecular consequence: missense variant.
Genome position (GRCh38, 1-based): chr14:64,209,967, G>A. VCF-style: chr14-64209967-G-A. GRCh37 (hg19) VCF-style: chr14-64676685-G-A.
Other names: c.18566G>A, p.Arg6189Gln (NM_015180.6); short protein forms R6189Q.
Identifiers: ClinVar variation 843716 (VCV000843716.9), dbSNP rs751450273, ClinGen allele CA7224138.

ClinVar aggregate classification (germline): Uncertain significance (1 of 4 stars; one submission).

Conditions:
Emery-Dreifuss muscular dystrophy 5, autosomal dominant (EDMD5). Also called: EMERY-DREIFUSS MUSCULAR DYSTROPHY 5. Identifiers: Orphanet 261, MedGen C2751805, MONDO:0013072, OMIM 612999.

Allele frequency attached by ClinVar (database versions not stated): TOPMed 0.00001; ExAC 0.00002; gnomAD 0.00003; gnomAD exomes below 0.00001 and 0.00001.
gnomAD v4.1: 10 of 1,613,986 alleles (0.00062%); highest among the groups gnomAD compares: African/African-American, 0.004%; no homozygotes.

Submission:

Labcorp Genetics (formerly Invitae), Labcorp
Classification: Uncertain significance for Emery-Dreifuss muscular dystrophy 5, autosomal dominant. Last evaluated: 2025-09-21. Review status: criteria provided, single submitter. Criteria: Invitae Variant Classification Sherloc (09022015). Collection method: clinical testing. Allele origin: germline.
Comment: This sequence change replaces arginine, which is basic and polar, with glutamine, which is neutral and polar, at codon 6189 of the SYNE2 protein (p.Arg6189Gln). This variant is present in population databases (rs751450273, gnomAD 0.007%). This variant has not been reported in the literature in individuals affected with SYNE2-related conditions. ClinVar contains an entry for this variant (Variation ID: 843716). An algorithm developed to predict the effect of missense changes on protein structure and function (PolyPhen-2) suggests that this variant is likely to be disruptive. In summary, the available evidence is currently insufficient to determine the role of this variant in disease. Therefore, it has been classified as a Variant of Uncertain Significance.